The following is an entry in ClinVar:

ClinVar aggregate classification (germline): Uncertain significance (1 of 4 stars; one submission).

gnomAD v4.1: 1 of 1,613,164 alleles (0.000062%); highest among the groups gnomAD compares: South Asian, 0.0011%; no homozygotes.

Submission:

Ambry Genetics
Classification: Uncertain significance. Last evaluated: 2025-06-14. Review status: criteria provided, single submitter. Criteria: Ambry Variant Classification Scheme 2023. Collection method: clinical testing. Allele origin: germline.
Comment: The p.L347P variant (also known as c.1040T>C), located in coding exon 1 of the CDK12 gene, results from a T to C substitution at nucleotide position 1040. The leucine at codon 347 is replaced by proline, an amino acid with similar properties. This amino acid position is conserved. In addition, this alteration is predicted to be tolerated by in silico analysis. Based on the available evidence, the clinical significance of this variant remains unclear.

NM_016507.4(CDK12):c.1040T>C (p.Leu347Pro)

Genes: CDK12 (cyclin dependent kinase 12; plus strand), LOC126862553 (CDK7 strongly-dependent group 2 enhancer GRCh37_chr17:37618166-37619365; plus strand). Cytogenetic location: 17q12.
Variant type: single nucleotide variant.
Coding change: c.1040T>C on transcript NM_016507.4 (MANE Select); coding-DNA position 1040, T replaced by C.
Protein change: p.Leu347Pro; replaces leucine 347 with proline.
Molecular consequence: missense variant.
Genome position (GRCh38, 1-based): chr17:39,463,111, T>C. VCF-style: chr17-39463111-T-C. GRCh37 (hg19) VCF-style: chr17-37619364-T-C.
Other names: c.1040T>C, p.Leu347Pro (NM_015083.4); short protein forms L347P.
Identifiers: ClinVar variation 3999562 (VCV003999562.1).